The following is an entry in ClinVar:

ClinVar aggregate classification (germline): Uncertain significance. Review status: criteria provided, multiple submitters, no conflicts (2 of 4 stars). 5 submissions from 5 submitters: Uncertain significance (5). Last evaluated 2026-08-18.

Conditions:
Hereditary cancer-predisposing syndrome. Also called: Neoplastic Syndromes, Hereditary; Hereditary Cancer Syndrome; Hereditary neoplastic syndrome; Tumor predisposition. Identifiers: Orphanet 140162, MedGen C0027672, MeSH D009386, MONDO:0015356.
Juvenile polyposis syndrome (JPS). Identifiers: Orphanet 2929, MedGen C0345893, MONDO:0017380, OMIM 174900.

Allele frequency attached by ClinVar (database versions not stated): gnomAD exomes below 0.00001; ExAC 0.00001.
gnomAD v4.1: 3 of 1,614,058 alleles (0.00019%); highest among the groups gnomAD compares: Non-Finnish European, 0.00025%; no homozygotes.

Submissions (5):

Ambry Genetics
Classification: Uncertain significance for Hereditary cancer-predisposing syndrome. Last evaluated: 2026-08-18. Review status: criteria provided, single submitter. Criteria: Ambry Variant Classification Scheme 2023. Collection method: clinical testing. Allele origin: germline.
Comment: The p.R120W variant (also known as c.358C>T), located in coding exon 4 of the BMPR1A gene, results from a C to T substitution at nucleotide position 358. The arginine at codon 120 is replaced by tryptophan, an amino acid with dissimilar properties. This amino acid position is highly conserved in available vertebrate species. In addition, this alteration is predicted to be deleterious by in silico analysis. Based on the available evidence, the clinical significance of this variant remains unclear.

Labcorp Genetics (formerly Invitae), Labcorp
Classification: Uncertain significance for Juvenile polyposis syndrome. Last evaluated: 2025-06-18. Review status: criteria provided, single submitter. Criteria: Invitae Variant Classification Sherloc (09022015). Collection method: clinical testing. Allele origin: germline.
Comment: This sequence change replaces arginine, which is basic and polar, with tryptophan, which is neutral and slightly polar, at codon 120 of the BMPR1A protein (p.Arg120Trp). This variant is present in population databases (rs779661827, gnomAD 0.0009%). This variant has not been reported in the literature in individuals affected with BMPR1A-related conditions. ClinVar contains an entry for this variant (Variation ID: 582801). Invitae Evidence Modeling incorporating data from in vitro experimental studies (internal data) indicates that this missense variant is not expected to disrupt BMPR1A function with a negative predictive value of 95%. In summary, the available evidence is currently insufficient to determine the role of this variant in disease. Therefore, it has been classified as a Variant of Uncertain Significance.

Women's Health and Genetics/Laboratory Corporation of America, LabCorp
Classification: Uncertain significance. Last evaluated: 2024-10-31. Review status: criteria provided, single submitter. Criteria: LabCorp Variant Classification Summary - May 2015. Collection method: clinical testing. Allele origin: germline.
Comment: Variant summary: BMPR1A c.358C>T (p.Arg120Trp) results in a non-conservative amino acid change located in the activin types I and II receptor domain (IPR000472) of the encoded protein sequence. Four of five in-silico tools predict a damaging effect of the variant on protein function. The variant allele was found at a frequency of 4e-06 in 251462 control chromosomes (gnomAD). The available data on variant occurrences in the general population are insufficient to allow any conclusion about variant significance. c.358C>T has been reported in the literature in at least an individual affected with urothelial carcinoma of the bladder (example: Desai_2016). This report however, does not provide unequivocal conclusions about association of the variant with Juvenile Polyposis Syndrome. To our knowledge, no experimental evidence demonstrating an impact on protein function has been reported. The following publication has been ascertained in the context of this evaluation (PMID: 27479538). ClinVar contains an entry for this variant (Variation ID: 582801). Based on the evidence outlined above, the variant was classified as uncertain significance.

GeneDx
Classification: Uncertain significance. Last evaluated: 2024-04-05. Review status: criteria provided, single submitter. Criteria: GeneDx Variant Classification Process June 2021. Collection method: clinical testing. Allele origin: germline. Affected: yes.
Comment: Not observed at significant frequency in large population cohorts (gnomAD); In silico analysis indicates that this missense variant does not alter protein structure/function; Has not been previously published as pathogenic or benign to our knowledge; This variant is associated with the following publications: (PMID: 10881198, 22799562, 23433720)

Color Diagnostics, LLC DBA Color Health
Classification: Uncertain significance for Hereditary cancer-predisposing syndrome. Last evaluated: 2021-12-14. Review status: criteria provided, single submitter. Criteria: ACMG Guidelines, 2015. Collection method: clinical testing. Allele origin: germline.
Comment: This missense variant replaces arginine with tryptophan at codon 120 of the BMPR1A protein. Computational prediction suggests that this variant may have deleterious impact on protein structure and function (internally defined REVEL score threshold >= 0.7, PMID: 27666373). To our knowledge, functional studies have not been reported for this variant. This variant has not been reported in individuals affected with hereditary cancer in the literature. This variant has been identified in 1/251462 chromosomes in the general population by the Genome Aggregation Database (gnomAD). The available evidence is insufficient to determine the role of this variant in disease conclusively. Therefore, this variant is classified as a Variant of Uncertain Significance.

Literature cited by the submitters: PubMed 27479538 (cited by Women's Health and Genetics/Laboratory Corporation of America, LabCorp).

NM_004329.3(BMPR1A):c.358C>T (p.Arg120Trp)

Gene: BMPR1A (bone morphogenetic protein receptor type 1A; plus strand). Cytogenetic location: 10q23.2.
Variant type: single nucleotide variant.
Coding change: c.358C>T on transcript NM_004329.3 (MANE Select); coding-DNA position 358, C replaced by T.
Protein change: p.Arg120Trp; replaces arginine 120 with tryptophan.
Molecular consequence: missense variant.
Genome position (GRCh38, 1-based): chr10:86,899,818, C>T. VCF-style: chr10-86899818-C-T. GRCh37 (hg19) VCF-style: chr10-88659575-C-T.
Other names: short protein forms R120W.
Identifiers: ClinVar variation 582801 (VCV000582801.18), dbSNP rs779661827, ClinGen allele CA5585495.